The following is an entry in ClinVar:

NM_001370658.1(BTD):c.425C>T (p.Ala142Val)

Gene: BTD (biotinidase; plus strand). Cytogenetic location: 3p25.1.
Variant type: single nucleotide variant.
Coding change: c.425C>T on transcript NM_001370658.1 (MANE Select); coding-DNA position 425, C replaced by T.
Protein change: p.Ala142Val; replaces alanine 142 with valine.
Molecular consequence: missense variant. On other transcripts: intron variant (1).
Genome position (GRCh38, 1-based): chr3:15,644,341, C>T. VCF-style: chr3-15644341-C-T. GRCh37 (hg19) VCF-style: chr3-15685848-C-T.
Other names: c.425C>T, p.Ala142Val (NM_001370752.1, NM_001407364.1, NM_001407365.1 and 18 more transcripts); c.399+2284C>T (NM_001370753.1); c.485C>T, p.Ala162Val (NM_000060.4); short protein forms A142V.
Identifiers: ClinVar variation 25014 (VCV000025014.21), dbSNP rs397514364, ClinGen allele CA278217.

ClinVar aggregate classification (germline): Pathogenic/Likely pathogenic. Review status: criteria provided, multiple submitters, no conflicts (2 of 4 stars). 5 submissions from 5 submitters: Pathogenic (3); Likely pathogenic (1). 1 of the submissions does not count toward it. Last evaluated 2024-08-29.

Conditions:
Biotinidase deficiency. Also called: BTD deficiency; Late-onset biotin-responsive multiple carboxylase deficiency; Biotin deficiency. Identifiers: Orphanet 79241, MedGen C0220754, MONDO:0009665, OMIM 253260.

Allele frequency attached by ClinVar (database versions not stated): gnomAD exomes below 0.00001; gnomAD 0.00001; TOPMed 0.00001.
gnomAD v4.1: 7 of 1,613,826 alleles (0.00043%); highest among the groups gnomAD compares: Non-Finnish European, 0.00059%; no homozygotes.

Submissions (5):

Labcorp Genetics (formerly Invitae), Labcorp
Classification: Pathogenic for Biotinidase deficiency. Last evaluated: 2024-08-29. Review status: criteria provided, single submitter. Criteria: Invitae Variant Classification Sherloc (09022015). Collection method: clinical testing. Allele origin: germline.
Comment: This sequence change replaces alanine, which is neutral and non-polar, with valine, which is neutral and non-polar, at codon 162 of the BTD protein (p.Ala162Val). This variant is present in population databases (rs397514364, gnomAD 0.0009%). This missense change has been observed in individual(s) with BTD-related conditions (PMID: 25144890, 27657684). ClinVar contains an entry for this variant (Variation ID: 25014). Invitae Evidence Modeling of protein sequence and biophysical properties (such as structural, functional, and spatial information, amino acid conservation, physicochemical variation, residue mobility, and thermodynamic stability) indicates that this missense variant is expected to disrupt BTD protein function with a positive predictive value of 95%. For these reasons, this variant has been classified as Pathogenic.

Fulgent Genetics
Classification: Likely pathogenic for Biotinidase deficiency. Last evaluated: 2024-02-02. Review status: criteria provided, single submitter. Criteria: ACMG Guidelines, 2015. Collection method: clinical testing. Allele origin: germline.

Baylor Genetics
Classification: Pathogenic for Biotinidase deficiency. Last evaluated: 2023-11-22. Review status: criteria provided, single submitter. Criteria: ACMG Guidelines, 2015. Collection method: clinical testing. Allele origin: unknown.

ARUP Laboratories, Molecular Genetics and Genomics, ARUP Laboratories
Classification: Pathogenic for Biotinidase deficiency. Last evaluated: 2021-11-09. Review status: criteria provided, single submitter. Criteria: ARUP Molecular Germline Variant Investigation Process 2021. Collection method: clinical testing. Allele origin: germline.
Comment: The BTD c.485C>T; p.Ala162Val variant (rs397514364) is reported in the literature in multiple individuals affected with partial to profound biotinidase deficiency usually found with a second pathogenic variant (Norrgard 1999, Wolf 2017). This variant is reported in ClinVar (Variation ID: 25014) and is only observed on one allele in the Genome Aggregation Database, indicating it is not a common polymorphism. The alanine at codon 162 is highly conserved, and computational analyses predict that this variant is deleterious (REVEL: 0.928). Based on available information, this variant is considered to be pathogenic. References: Norrgard KJ et al. Mutations causing profound biotinidase deficiency in children ascertained by newborn screening in the United States occur at different frequencies than in symptomatic children. Pediatr Res. 1999 Jul;46(1):20-7. PMID: 10400129. Wolf B et al. Successful outcomes of older adolescents and adults with profound biotinidase deficiency identified by newborn screening. Genet Med. 2017 Apr;19(4):396-402. PMID: 27657684.

Counsyl
Classification: Uncertain significance for Biotinidase deficiency. Last evaluated: 2018-03-26. Review status: no assertion criteria provided. Collection method: clinical testing. Allele origin: unknown. Not counted in ClinVar's aggregate classification.

Literature cited by the submitters: PubMed 25144890 (cited by Labcorp Genetics (formerly Invitae), Labcorp); PubMed 27657684 (cited by Labcorp Genetics (formerly Invitae), Labcorp and Counsyl); PubMed 10400129 (cited by Counsyl).